The following is an entry in ClinVar:

ClinVar aggregate classification (germline): Pathogenic (1 of 4 stars; one submission).

Conditions:
Spastic paraplegia. Identifiers: MedGen C0037772, HP:0001258.

Submission:

Labcorp Genetics (formerly Invitae), Labcorp
Classification: Pathogenic for Spastic paraplegia. Last evaluated: 2018-12-07. Review status: criteria provided, single submitter. Criteria: Invitae Variant Classification Sherloc (09022015). Collection method: clinical testing. Allele origin: germline.
Comment: This variant has not been reported in the literature in individuals with SACS-related conditions. For these reasons, this variant has been classified as Pathogenic. Loss-of-function variants in SACS are known to be pathogenic (PMID: 18465152, 20876471). This variant is not present in population databases (ExAC no frequency). This sequence change creates a premature translational stop signal (p.Lys63*) in the SACS gene. It is expected to result in an absent or disrupted protein product.

Literature cited by the submitters: PubMed 18465152; PubMed 20876471.

NM_014363.6(SACS):c.187A>T (p.Lys63Ter)

Gene: SACS (sacsin molecular chaperone; minus strand). Cytogenetic location: 13q12.12.
Variant type: single nucleotide variant.
Coding change: c.187A>T on transcript NM_014363.6 (MANE Select); coding-DNA position 187, A replaced by T.
Protein change: p.Lys63Ter; replaces lysine 63 with a stop codon.
Molecular consequence: nonsense. On other transcripts: intron variant (1).
Genome position (GRCh38, 1-based): chr13:23,371,150, T>A on the plus strand (A>T on the coding strand, the complement: SACS is on the minus strand). VCF-style: chr13-23371150-T-A. GRCh37 (hg19) VCF-style: chr13-23945289-T-A.
Other names: c.-182-2663A>T (NM_001278055.2); short protein forms K63*.
Identifiers: ClinVar variation 652757 (VCV000652757.6), dbSNP rs1593157923, ClinGen allele CA387553929.